The following is an entry in ClinVar:

NM_016252.4(BIRC6):c.5454C>T (p.Asp1818=)

Gene: BIRC6 (baculoviral IAP repeat containing 6; plus strand). Cytogenetic location: 2p22.3.
Variant type: single nucleotide variant.
Coding change: c.5454C>T on transcript NM_016252.4 (MANE Select); coding-DNA position 5454, C replaced by T.
Protein change: p.Asp1818=; no amino-acid change (aspartic acid 1818 retained).
Molecular consequence: synonymous variant.
Genome position (GRCh38, 1-based): chr2:32,467,622, C>T. VCF-style: chr2-32467622-C-T. GRCh37 (hg19) VCF-style: chr2-32692690-C-T.
Other names: c.5424C>T, p.Asp1808= (NM_001378125.1).
Identifiers: ClinVar variation 3045171 (VCV003045171.2), dbSNP rs145696137, ClinGen allele CA1603648.

ClinVar aggregate classification (germline): Likely benign (0 of 4 stars; one submission).

Conditions:
BIRC6-related disorder. Also called: BIRC6-related condition.

Allele frequency attached by ClinVar (database versions not stated): gnomAD exomes 0.00022; ExAC 0.00058; TOPMed 0.00176; gnomAD 0.00180; ESP Exome Variant Server 0.00231; 1000 Genomes Project 0.00240; 1000 Genomes Project 30x 0.00297.
gnomAD v4.1: 611 of 1,613,854 alleles (0.038%); highest among the groups gnomAD compares: African/African-American, 0.62%; 2 homozygotes.

Submission:

PreventionGenetics, part of Exact Sciences
Classification: Likely benign for BIRC6-related condition. Last evaluated: 2020-01-07. Review status: no assertion criteria provided. Collection method: clinical testing. Allele origin: germline.
Comment: This variant is classified as likely benign based on ACMG/AMP sequence variant interpretation guidelines (Richards et al. 2015 PMID: 25741868, with internal and published modifications).